The following is an entry in ClinVar:

NM_001048174.2(MUTYH):c.1102+5C>A

Gene: MUTYH (mutY DNA glycosylase; minus strand). Cytogenetic location: 1p34.1.
Variant type: single nucleotide variant.
Coding change: c.1102+5C>A on transcript NM_001048174.2 (MANE Select); 5 bases into the intron after coding-DNA position 1102, C replaced by A.
Molecular consequence: intron variant.
Genome position (GRCh38, 1-based): chr1:45,331,656, G>T on the plus strand (C>A on the coding strand, the complement: MUTYH is on the minus strand). VCF-style: chr1-45331656-G-T. GRCh37 (hg19) VCF-style: chr1-45797328-G-T.
Other names: c.757+5C>A (NM_001350651.2, NM_001350650.2); c.826+5C>A (NM_001293192.2, NM_001293196.2); c.1102+5C>A (NM_001048171.2, NM_001048173.2, NM_001293195.2); c.1147+5C>A (NM_001293190.2); c.1177+5C>A (NM_012222.3); c.1186+5C>A (NM_001128425.2); c.1105+5C>A (NM_001048172.2); c.1135+5C>A (NM_001293191.2).
Identifiers: ClinVar variation 2021300 (VCV002021300.4), dbSNP rs1553126284, ClinGen allele CA2580063016.

ClinVar aggregate classification (germline): Uncertain significance (1 of 4 stars; one submission).

Conditions:
Familial adenomatous polyposis 2. Also called: COLORECTAL ADENOMATOUS POLYPOSIS, AUTOSOMAL RECESSIVE; ADENOMAS, MULTIPLE COLORECTAL, AUTOSOMAL RECESSIVE; Adenomas, multiple colorectal; MYH-associated polyposis; MUTYH-associated polyposis; MUTYH-related attenuated familial adenomatous polyposis. Identifiers: Orphanet 220460, Orphanet 247798, MedGen C3272841, MONDO:0012041, OMIM 608456.

Submission:

Labcorp Genetics (formerly Invitae), Labcorp
Classification: Uncertain significance for Familial adenomatous polyposis 2. Last evaluated: 2022-08-03. Review status: criteria provided, single submitter. Criteria: Invitae Variant Classification Sherloc (09022015). Collection method: clinical testing. Allele origin: germline.
Comment: In summary, the available evidence is currently insufficient to determine the role of this variant in disease. Therefore, it has been classified as a Variant of Uncertain Significance. This variant is not present in population databases (gnomAD no frequency). Variants that disrupt the consensus splice site are a relatively common cause of aberrant splicing (PMID: 17576681, 9536098). Algorithms developed to predict the effect of sequence changes on RNA splicing suggest that this variant is not likely to affect RNA splicing. This variant has not been reported in the literature in individuals affected with MUTYH-related conditions. This sequence change falls in intron 12 of the MUTYH gene. It does not directly change the encoded amino acid sequence of the MUTYH protein. It affects a nucleotide within the consensus splice site.

Literature cited by the submitters: PubMed 17576681; PubMed 9536098.